The following is an entry in ClinVar:

ClinVar aggregate classification (germline): Benign. Review status: criteria provided, single submitter (1 of 4 stars). 2 submissions from 2 submitters: Benign (1). 1 of the submissions does not count toward it. Last evaluated 2025-10-23.

Conditions:
KRT16-related disorder. Also called: KRT16-related condition.

Allele frequency attached by ClinVar (database versions not stated): 1000 Genomes Project 0.00060; 1000 Genomes Project 30x 0.00078; ESP Exome Variant Server 0.00092; TOPMed 0.00105; gnomAD 0.00114.

Submissions (2):

Labcorp Genetics (formerly Invitae), Labcorp
Classification: Benign. Last evaluated: 2025-10-23. Review status: criteria provided, single submitter. Criteria: Invitae Variant Classification Sherloc (09022015). Collection method: clinical testing. Allele origin: germline.

PreventionGenetics, part of Exact Sciences
Classification: Likely benign for KRT16-related condition. Last evaluated: 2019-10-28. Review status: no assertion criteria provided. Collection method: clinical testing. Allele origin: germline. Not counted in ClinVar's aggregate classification.
Comment: This variant is classified as likely benign based on ACMG/AMP sequence variant interpretation guidelines (Richards et al. 2015 PMID: 25741868, with internal and published modifications).

NM_005557.4(KRT16):c.933+9C>T

Gene: KRT16 (keratin 16; minus strand). Cytogenetic location: 17q21.2.
Variant type: single nucleotide variant.
Coding change: c.933+9C>T on transcript NM_005557.4 (MANE Select); 9 bases into the intron after coding-DNA position 933, C replaced by T.
Molecular consequence: intron variant.
Genome position (GRCh38, 1-based): chr17:41,611,060, G>A on the plus strand (C>T on the coding strand, the complement: KRT16 is on the minus strand). VCF-style: chr17-41611060-G-A. GRCh37 (hg19) VCF-style: chr17-39767312-G-A.
Identifiers: ClinVar variation 3045122 (VCV003045122.3), dbSNP rs199605134, ClinGen allele CA8563067.